The following is an entry in ClinVar:

NM_030930.4(UNC93B1):c.343A>G (p.Ile115Val)

Gene: UNC93B1 (unc-93B1 regulator of TLR signaling; minus strand). Cytogenetic location: 11q13.2.
Variant type: single nucleotide variant.
Coding change: c.343A>G on transcript NM_030930.4 (MANE Select); coding-DNA position 343, A replaced by G.
Protein change: p.Ile115Val; replaces isoleucine 115 with valine.
Molecular consequence: missense variant.
Genome position (GRCh38, 1-based): chr11:68,003,071, T>C on the plus strand (A>G on the coding strand, the complement: UNC93B1 is on the minus strand). VCF-style: chr11-68003071-T-C. GRCh37 (hg19) VCF-style: chr11-67770541-T-C.
Other names: short protein forms I115V.
Identifiers: ClinVar variation 2179500 (VCV002179500.4), dbSNP rs1857072464, ClinGen allele CA381578148.

ClinVar aggregate classification (germline): Uncertain significance (1 of 4 stars; one submission).

Conditions:
Encephalopathy, acute, infection-induced (herpes-specific), susceptibility to, 1. Also called: Herpes simplex encephalitis, susceptibility to, 1. Identifiers: Orphanet 1930, MedGen C2750180, MONDO:0024563, OMIM 610551.

Submission:

Labcorp Genetics (formerly Invitae), Labcorp
Classification: Uncertain significance for Encephalopathy, acute, infection-induced (herpes-specific), susceptibility to, 1. Last evaluated: 2022-03-29. Review status: criteria provided, single submitter. Criteria: Invitae Variant Classification Sherloc (09022015). Collection method: clinical testing. Allele origin: germline.
Comment: In summary, the available evidence is currently insufficient to determine the role of this variant in disease. Therefore, it has been classified as a Variant of Uncertain Significance. Experimental studies and prediction algorithms are not available or were not evaluated, and the functional significance of this variant is currently unknown. This variant has not been reported in the literature in individuals affected with UNC93B1-related conditions. This variant is not present in population databases (gnomAD no frequency). This sequence change replaces isoleucine, which is neutral and non-polar, with valine, which is neutral and non-polar, at codon 115 of the UNC93B1 protein (p.Ile115Val).